The following is an entry in ClinVar:

NM_053025.4(MYLK):c.1253G>A (p.Ser418Asn)

Gene: MYLK (myosin light chain kinase; minus strand). Cytogenetic location: 3q21.1.
Variant type: single nucleotide variant.
Coding change: c.1253G>A on transcript NM_053025.4 (MANE Select); coding-DNA position 1253, G replaced by A.
Protein change: p.Ser418Asn; replaces serine 418 with asparagine.
Molecular consequence: missense variant.
Genome position (GRCh38, 1-based): chr3:123,733,743, C>T on the plus strand (G>A on the coding strand, the complement: MYLK is on the minus strand). VCF-style: chr3-123733743-C-T. GRCh37 (hg19) VCF-style: chr3-123452590-C-T.
Other names: c.725G>A, p.Ser242Asn (NM_001321309.2); c.1253G>A, p.Ser418Asn (NM_053026.4, NM_053027.4, NM_053028.4); short protein forms S242N, S418N.
Identifiers: ClinVar variation 948170 (VCV000948170.9), dbSNP rs2062572965, ClinGen allele CA354238935.

ClinVar aggregate classification (germline): Uncertain significance (1 of 4 stars; one submission).

Conditions:
Aortic aneurysm, familial thoracic 7 (AAT7). Also called: AORTIC DISSECTION, FAMILIAL, WITH OR WITHOUT AORTIC ANEURYSM. Identifiers: MedGen C3151077, MONDO:0013418, OMIM 613780.

Allele frequency attached by ClinVar (database versions not stated): gnomAD exomes below 0.00001.

Submission:

Labcorp Genetics (formerly Invitae), Labcorp
Classification: Uncertain significance for Aortic aneurysm, familial thoracic 7. Last evaluated: 2023-01-30. Review status: criteria provided, single submitter. Criteria: Invitae Variant Classification Sherloc (09022015). Collection method: clinical testing. Allele origin: germline.
Comment: In summary, the available evidence is currently insufficient to determine the role of this variant in disease. Therefore, it has been classified as a Variant of Uncertain Significance. Advanced modeling of protein sequence and biophysical properties (such as structural, functional, and spatial information, amino acid conservation, physicochemical variation, residue mobility, and thermodynamic stability) performed at Invitae indicates that this missense variant is not expected to disrupt MYLK protein function. ClinVar contains an entry for this variant (Variation ID: 948170). This variant has not been reported in the literature in individuals affected with MYLK-related conditions. This variant is not present in population databases (gnomAD no frequency). This sequence change replaces serine, which is neutral and polar, with asparagine, which is neutral and polar, at codon 418 of the MYLK protein (p.Ser418Asn).